The following is an entry in ClinVar:

NM_001211.6(BUB1B):c.1495T>G (p.Cys499Gly)

Gene: BUB1B (BUB1 mitotic checkpoint serine/threonine kinase B; plus strand). Cytogenetic location: 15q15.1.
Variant type: single nucleotide variant.
Coding change: c.1495T>G on transcript NM_001211.6 (MANE Select); coding-DNA position 1495, T replaced by G.
Protein change: p.Cys499Gly; replaces cysteine 499 with glycine.
Molecular consequence: missense variant.
Genome position (GRCh38, 1-based): chr15:40,200,337, T>G. VCF-style: chr15-40200337-T-G. GRCh37 (hg19) VCF-style: chr15-40492538-T-G.
Other names: short protein forms C499G.
Identifiers: ClinVar variation 3483144 (VCV003483144.1).
Genomic context (GRCh38, chr15:40,200,337, plus strand): 5'-AAACTGCAAATTGCTTCCGAGTCTCAGAAAATACCAGGAATGACTCTATCCAGTTCTGTT[T>G]GTCAAGTAAACTGTTGTGCCAGGTAAGACTACATAGGTGGAAGGGACAATGCATATAGGA-3'
Protein context (NP_001202.5, residues 489-509): IPGMTLSSSV[Cys499Gly]QVNCCARETS

ClinVar aggregate classification (germline): Uncertain significance (1 of 4 stars; one submission).

Conditions:
Inborn genetic diseases. Identifiers: MedGen C0950123, MeSH D030342.

gnomAD v4.1: 1 of 1,613,872 alleles (0.000062%); highest among the groups gnomAD compares: East Asian, 0.0022%; no homozygotes.

Submission:

Ambry Genetics
Classification: Uncertain significance for Inborn genetic diseases. Last evaluated: 2024-08-17. Review status: criteria provided, single submitter. Criteria: Ambry Variant Classification Scheme 2023. Collection method: clinical testing. Allele origin: germline.
Comment: The p.C499G variant (also known as c.1495T>G), located in coding exon 11 of the BUB1B gene, results from a T to G substitution at nucleotide position 1495. The cysteine at codon 499 is replaced by glycine, an amino acid with highly dissimilar properties. This amino acid position is conserved. In addition, this alteration is predicted to be tolerated by in silico analysis. Based on the available evidence, the clinical significance of this variant remains unclear.